The following is an entry in ClinVar:

ClinVar aggregate classification (germline): Uncertain significance (1 of 4 stars; one submission).

gnomAD v4.1: 1 of 1,614,036 alleles (0.000062%); highest among the groups gnomAD compares: South Asian, 0.0011%; no homozygotes.

Submission:

Labcorp Genetics (formerly Invitae), Labcorp
Classification: Uncertain significance. Last evaluated: 2025-10-29. Review status: criteria provided, single submitter. Criteria: Invitae Variant Classification Sherloc (09022015). Collection method: clinical testing. Allele origin: germline.
Comment: This sequence change replaces arginine, which is basic and polar, with tryptophan, which is neutral and slightly polar, at codon 10 of the UQCRQ protein (p.Arg10Trp). This variant is present in population databases (no rsID available, gnomAD 0.003%). This variant has not been reported in the literature in individuals affected with UQCRQ-related conditions. An algorithm developed to predict the effect of missense changes on protein structure and function (PolyPhen-2) suggests that this variant is likely to be tolerated. In summary, the available evidence is currently insufficient to determine the role of this variant in disease. Therefore, it has been classified as a Variant of Uncertain Significance.

NM_014402.5(UQCRQ):c.28C>T (p.Arg10Trp)

Genes: UQCRQ (ubiquinol-cytochrome c reductase complex III subunit VII; plus strand), LOC126807509 (BRD4-independent group 4 enhancer GRCh37_chr5:132201613-132202812; plus strand). Cytogenetic location: 5q31.1.
Variant type: single nucleotide variant.
Coding change: c.28C>T on transcript NM_014402.5 (MANE Select); coding-DNA position 28, C replaced by T.
Protein change: p.Arg10Trp; replaces arginine 10 with tryptophan.
Molecular consequence: missense variant.
Genome position (GRCh38, 1-based): chr5:132,866,909, C>T. VCF-style: chr5-132866909-C-T. GRCh37 (hg19) VCF-style: chr5-132202601-C-T.
Other names: short protein forms R10W.
Identifiers: ClinVar variation 4695824 (VCV004695824.1).